The following is an entry in ClinVar:

NM_000256.3(MYBPC3):c.2266C>G (p.Pro756Ala)

Gene: MYBPC3 (myosin binding protein C3; minus strand). Cytogenetic location: 11p11.2.
Variant type: single nucleotide variant.
Coding change: c.2266C>G on transcript NM_000256.3 (MANE Select); coding-DNA position 2266, C replaced by G.
Protein change: p.Pro756Ala; replaces proline 756 with alanine.
Molecular consequence: missense variant.
Genome position (GRCh38, 1-based): chr11:47,338,562, G>C on the plus strand (C>G on the coding strand, the complement: MYBPC3 is on the minus strand). VCF-style: chr11-47338562-G-C. GRCh37 (hg19) VCF-style: chr11-47360113-G-C.
Other names: short protein forms P756A.
Identifiers: ClinVar variation 1435779 (VCV001435779.9), dbSNP rs1182126415, ClinGen allele CA380320222.

ClinVar aggregate classification (germline): Uncertain significance. Review status: criteria provided, multiple submitters, no conflicts (2 of 4 stars). 2 submissions from 2 submitters: Uncertain significance (2). Last evaluated 2024-10-08.

Conditions:
Cardiovascular phenotype. Identifiers: MedGen CN230736.
Hypertrophic cardiomyopathy. Also called: HYPERTROPHIC MYOCARDIOPATHY. Identifiers: Orphanet 217569, MedGen C0007194, MeSH D002312, MONDO:0005045, HP:0001639.

Allele frequency attached by ClinVar (database versions not stated): gnomAD exomes below 0.00001.
gnomAD v4.1: 4 of 1,614,008 alleles (0.00025%); highest among the groups gnomAD compares: Admixed American, 0.0017%; no homozygotes.

Submissions (2):

Ambry Genetics
Classification: Uncertain significance for Cardiovascular phenotype. Last evaluated: 2024-10-08. Review status: criteria provided, single submitter. Criteria: Ambry Variant Classification Scheme 2023. Collection method: clinical testing. Allele origin: germline.
Comment: The p.P756A variant (also known as c.2266C>G), located in coding exon 23 of the MYBPC3 gene, results from a C to G substitution at nucleotide position 2266. The proline at codon 756 is replaced by alanine, an amino acid with highly similar properties. This amino acid position is conserved. In addition, this alteration is predicted to be tolerated by in silico analysis. Based on the available evidence, the clinical significance of this variant remains unclear.

Labcorp Genetics (formerly Invitae), Labcorp
Classification: Uncertain significance for Hypertrophic cardiomyopathy. Last evaluated: 2021-02-16. Review status: criteria provided, single submitter. Criteria: Invitae Variant Classification Sherloc (09022015). Collection method: clinical testing. Allele origin: germline.
Comment: In summary, the available evidence is currently insufficient to determine the role of this variant in disease. Therefore, it has been classified as a Variant of Uncertain Significance. Algorithms developed to predict the effect of missense changes on protein structure and function (SIFT, PolyPhen-2, Align-GVGD) all suggest that this variant is likely to be tolerated, but these predictions have not been confirmed by published functional studies and their clinical significance is uncertain. This variant has not been reported in the literature in individuals with MYBPC3-related conditions. This variant is not present in population databases (ExAC no frequency). This sequence change replaces proline with alanine at codon 756 of the MYBPC3 protein (p.Pro756Ala). The proline residue is highly conserved and there is a small physicochemical difference between proline and alanine.